The following is an entry in ClinVar:

NM_000512.5(GALNS):c.697G>A (p.Asp233Asn)

Gene: GALNS (galactosamine (N-acetyl)-6-sulfatase; minus strand). Cytogenetic location: 16q24.3.
Variant type: single nucleotide variant.
Coding change: c.697G>A on transcript NM_000512.5 (MANE Select); coding-DNA position 697, G replaced by A.
Protein change: p.Asp233Asn; replaces aspartic acid 233 with asparagine.
Molecular consequence: missense variant.
Genome position (GRCh38, 1-based): chr16:88,835,786, C>T on the plus strand (G>A on the coding strand, the complement: GALNS is on the minus strand). VCF-style: chr16-88835786-C-T. GRCh37 (hg19) VCF-style: chr16-88902194-C-T.
Other names: p.Asp233Asn; c.142G>A, p.Asp48Asn (NM_001323543.2); c.715G>A, p.Asp239Asn (NM_001323544.2); short protein forms D233N, D239N, D48N.
Identifiers: ClinVar variation 1048200 (VCV001048200.13), dbSNP rs753051547, ClinGen allele CA8235027.

ClinVar aggregate classification (germline): Pathogenic/Likely pathogenic. Review status: criteria provided, multiple submitters, no conflicts (2 of 4 stars). 7 submissions from 7 submitters: Pathogenic (4); Likely pathogenic (3). Last evaluated 2024-04-26.

Conditions:
Mucopolysaccharidosis, MPS-IV-A (MPS4A). Also called: Mucopolysaccharidosis type IV A; Mucopolysaccharidosis Type IVA; Morquio syndrome A, mild; MORQUIO SYNDROME A; MPS IVA; mucopolysaccharidosis type 4A. Identifiers: Orphanet 309297, Orphanet 582, MedGen C0086651, MONDO:0009659, OMIM 253000.
Morquio syndrome. Also called: Mucopolysaccharidosis, Type IV; MPS IV; Mucopolysaccharidosis type 4; Eccentrochondrodysplasia. Identifiers: Orphanet 582, MedGen C0026707, MONDO:0018938.

Allele frequency attached by ClinVar (database versions not stated): gnomAD exomes below 0.00001; ExAC 0.00001; gnomAD 0.00001; TOPMed 0.00002.
gnomAD v4.1: 7 of 1,613,994 alleles (0.00043%); highest among the groups gnomAD compares: South Asian, 0.0022%; no homozygotes.

Submissions (7):

Fulgent Genetics
Classification: Likely pathogenic for Mucopolysaccharidosis, MPS-IV-A. Last evaluated: 2024-04-26. Review status: criteria provided, single submitter. Criteria: ACMG Guidelines, 2015. Collection method: clinical testing. Allele origin: germline.

Women's Health and Genetics/Laboratory Corporation of America, LabCorp
Classification: Pathogenic for Morquio syndrome. Last evaluated: 2024-04-19. Review status: criteria provided, single submitter. Criteria: LabCorp Variant Classification Summary - May 2015. Collection method: clinical testing. Allele origin: germline.
Comment: Variant summary: GALNS c.697G>A (p.Asp233Asn) results in a conservative amino acid change located in the sulfatase, N-terminal domain (IPR000917) of the encoded protein sequence. Three of five in-silico tools predict a damaging effect of the variant on protein function. The variant allele was found at a frequency of 4e-06 in 251392 control chromosomes. c.697G>A has been reported in the literature in multiple individuals affected with Mucopolysaccharidosis Type IVA (Morquio Syndrome A) in the homozygous and compound heterozygous states (e.g. Ghafoor_2022, Yi_2022). This variant segregated with disease in at least one family (Ghafoor_2022). These data indicate that the variant is very likely to be associated with disease. The following publications have been ascertained in the context of this evaluation (PMID: 36292628, 35212421). ClinVar contains an entry for this variant (Variation ID: 1048200). Based on the evidence outlined above, the variant was classified as pathogenic.

Labcorp Genetics (formerly Invitae), Labcorp
Classification: Pathogenic for Mucopolysaccharidosis, MPS-IV-A. Last evaluated: 2023-02-14. Review status: criteria provided, single submitter. Criteria: Invitae Variant Classification Sherloc (09022015). Collection method: clinical testing. Allele origin: germline.
Comment: For these reasons, this variant has been classified as Pathogenic. This sequence change replaces aspartic acid, which is acidic and polar, with asparagine, which is neutral and polar, at codon 233 of the GALNS protein (p.Asp233Asn). The frequency data for this variant in the population databases is considered unreliable, as metrics indicate poor data quality at this position in the gnomAD database. This missense change has been observed in individual(s) with clinical features of Mucopolysaccharidosis type IVA (PMID: 15235041, 30980944). ClinVar contains an entry for this variant (Variation ID: 1048200). Advanced modeling of protein sequence and biophysical properties (such as structural, functional, and spatial information, amino acid conservation, physicochemical variation, residue mobility, and thermodynamic stability) performed at Invitae indicates that this missense variant is expected to disrupt GALNS protein function.

Laboratory for Molecular Medicine, Mass General Brigham Personalized Medicine
Classification: Pathogenic for Morquio syndrome. Last evaluated: 2023-02-02. Review status: criteria provided, single submitter. Criteria: ACMG Guidelines, 2015. Collection method: clinical testing. Allele origin: germline.
Comment: The p.Asp233Asn variant in GALNS has been reported in at least 6 individuals with mucopolysaccharidosis type 4A who were either homozygous or compound heterozygous for the variant and a pathogenic variant in GALNS (Tomatsu 2004 PMID: 15235041, Morrone 2014 PMID: 24726177, Bidchol 2014 PMID: 2525203, Caciotti 2018 PMID: 30305043, Jazela-Stanek 2019 PMID: 30927141, Tüysüz 2019 PMID: 30980944). GALNS enzyme activity assays performed on leukocytes or cultured fibroblasts from affected individuals showed low or absent enzyme activity (Morrone 2014 PMID: 24726177, Bidchol 2014 PMID: 2525203, Caciotti 2018 PMID: 30305043). It was also identified in 0.001% (1/68038) of European chromosomes by gnomAD, and is reported in ClinVar (Variation ID 1048200). In summary, this variant meets criteria to be classified as pathogenic for autosomal recessive mucopolysaccharidosis type 4A. ACMG/AMP criteria applied: PM3_Strong, PS3, PM2_Supporting.

Genome-Nilou Lab
Classification: Likely pathogenic for Mucopolysaccharidosis, MPS-IV-A. Last evaluated: 2021-11-07. Review status: criteria provided, single submitter. Criteria: ACMG Guidelines, 2015. Collection method: clinical testing. Allele origin: germline. Affected: no.

Laboratory of Diagnosis and Therapy of Lysosomal Disorders, University of Padova
Classification: Likely pathogenic for Mucopolysaccharidosis, MPS-IV-A. Last evaluated: 2021-02-01. Review status: criteria provided, single submitter. Criteria: ACMG Guidelines, 2015. Collection method: research. Allele origin: germline. Affected: yes.
Comment: In vivo functional studies supportive of a damaging effect on the gene product (low to null enzymatic activity in homozygotes; PS3_supporting); The prevalence of the variant in affected individuals is significantly increased compared with the prevalence in controls (PS4_strong); very low frequency in gnomAD v2.1.1 (PM2_moderate)

Foundation for Research in Genetics and Endocrinology, FRIGE's Institute of Human Genetics
Classification: Pathogenic for Mucopolysaccharidosis, MPS-IV-A. Review status: criteria provided, single submitter. Criteria: ACMG Guidelines, 2015. Collection method: clinical testing. Allele origin: germline. Inheritance: Autosomal recessive inheritance. Affected: yes. Observed: 1 homozygote.
Comment: A homozygous missense variant in exon 2 of the GALNS gene that results in the amino acid substitution of Asparagine for Aspartate at codon 233 was detected. The observed variant c.697G>A (p.Asp233Asn) has not been reported in the 1000 genomes and has a minor allele frequency of 0.0004% in the gnomAD databases. The in silico prediction of the variant is damaging by MutationTaster2. The reference codon is conserved across species. Uniprot classifies this variant as pathogenic and has previously been observed in patients with MPS IVA disease. In summary, the variant meets our criteria to be classified as pathogenic.

Literature cited by the submitters: PubMed 35212421 (cited by Women's Health and Genetics/Laboratory Corporation of America, LabCorp); PubMed 36292628 (cited by Women's Health and Genetics/Laboratory Corporation of America, LabCorp); PubMed 15235041 (cited by Labcorp Genetics (formerly Invitae), Labcorp and Laboratory of Diagnosis and Therapy of Lysosomal Disorders, University of Padova); PubMed 30980944 (cited by 3 submitters); PubMed 23876334 (cited by Laboratory of Diagnosis and Therapy of Lysosomal Disorders, University of Padova); PubMed 24726177 (cited by Laboratory of Diagnosis and Therapy of Lysosomal Disorders, University of Padova); PubMed 25252036 (cited by Laboratory of Diagnosis and Therapy of Lysosomal Disorders, University of Padova); PubMed 29275451 (cited by Laboratory of Diagnosis and Therapy of Lysosomal Disorders, University of Padova); PubMed 30305043 (cited by Laboratory of Diagnosis and Therapy of Lysosomal Disorders, University of Padova); PubMed 30927141 (cited by Laboratory of Diagnosis and Therapy of Lysosomal Disorders, University of Padova); PubMed 34387910 (cited by Laboratory of Diagnosis and Therapy of Lysosomal Disorders, University of Padova); PubMed 1522213 (cited by Foundation for Research in Genetics and Endocrinology, FRIGE's Institute of Human Genetics).